The following is an entry in ClinVar:

NM_006245.4(PPP2R5D):c.725C>A (p.Ala242Asp)

Gene: PPP2R5D (protein phosphatase 2 regulatory subunit B'delta; plus strand). Cytogenetic location: 6p21.1.
Variant type: single nucleotide variant.
Coding change: c.725C>A on transcript NM_006245.4 (MANE Select); coding-DNA position 725, C replaced by A.
Protein change: p.Ala242Asp; replaces alanine 242 with aspartic acid.
Molecular consequence: missense variant.
Genome position (GRCh38, 1-based): chr6:43,007,505, C>A. VCF-style: chr6-43007505-C-A. GRCh37 (hg19) VCF-style: chr6-42975243-C-A.
Other names: c.272C>A, p.Ala91Asp (NM_001270476.2); c.629C>A, p.Ala210Asp (NM_180976.3); c.407C>A, p.Ala136Asp (NM_180977.3); c.725C>A (NM_006245.3); short protein forms A136D, A210D, A242D, A91D.
Identifiers: ClinVar variation 1718655 (VCV001718655.6), dbSNP rs761494736, ClinGen allele CA3811888.

ClinVar aggregate classification (germline): Uncertain significance. Review status: criteria provided, single submitter (1 of 4 stars). 2 submissions from 2 submitters: Uncertain significance (1). 1 of the submissions does not count toward it. Last evaluated 2022-09-02.

Conditions:
PPP2R5D-related disorder. Also called: PPP2R5D-related condition.

Allele frequency attached by ClinVar (database versions not stated): gnomAD exomes below 0.00001; ExAC 0.00001.
gnomAD v4.1: 2 of 1,604,234 alleles (0.00012%); highest among the groups gnomAD compares: Non-Finnish European, 0.000085%; no homozygotes.

Submissions (2):

Labcorp Genetics (formerly Invitae), Labcorp
Classification: Uncertain significance. Last evaluated: 2022-09-02. Review status: criteria provided, single submitter. Criteria: Invitae Variant Classification Sherloc (09022015). Collection method: clinical testing. Allele origin: germline.
Comment: In summary, the available evidence is currently insufficient to determine the role of this variant in disease. Therefore, it has been classified as a Variant of Uncertain Significance. Algorithms developed to predict the effect of missense changes on protein structure and function (SIFT, PolyPhen-2, Align-GVGD) all suggest that this variant is likely to be tolerated. This variant has not been reported in the literature in individuals affected with PPP2R5D-related conditions. This variant is present in population databases (rs761494736, gnomAD 0.0009%). This sequence change replaces alanine, which is neutral and non-polar, with aspartic acid, which is acidic and polar, at codon 242 of the PPP2R5D protein (p.Ala242Asp).

PreventionGenetics, part of Exact Sciences
Classification: Uncertain significance for PPP2R5D-related condition. Last evaluated: 2024-06-16. Review status: no assertion criteria provided. Collection method: clinical testing. Allele origin: germline. Not counted in ClinVar's aggregate classification.
Comment: The PPP2R5D c.725C>A variant is predicted to result in the amino acid substitution p.Ala242Asp. To our knowledge, this variant has not been reported in the literature. This variant is reported in 0.00088% of alleles in individuals of European (Non-Finnish) descent in gnomAD. At this time, the clinical significance of this variant is uncertain due to the absence of conclusive functional and genetic evidence.